The following is an entry in ClinVar:

NM_033026.6(PCLO):c.10081G>T (p.Ala3361Ser)

Gene: PCLO (piccolo presynaptic cytomatrix protein; minus strand). Cytogenetic location: 7q21.11.
Variant type: single nucleotide variant.
Coding change: c.10081G>T on transcript NM_033026.6 (MANE Select); coding-DNA position 10081, G replaced by T.
Protein change: p.Ala3361Ser; replaces alanine 3361 with serine.
Molecular consequence: missense variant.
Genome position (GRCh38, 1-based): chr7:82,950,507, C>A on the plus strand (G>T on the coding strand, the complement: PCLO is on the minus strand). VCF-style: chr7-82950507-C-A. GRCh37 (hg19) VCF-style: chr7-82579823-C-A.
Other names: c.10081G>T, p.Ala3361Ser (NM_014510.3); short protein forms A3361S.
Identifiers: ClinVar variation 2106721 (VCV002106721.4), dbSNP rs2535676842, ClinGen allele CA367905615.

ClinVar aggregate classification (germline): Uncertain significance (1 of 4 stars; one submission).

Submission:

Labcorp Genetics (formerly Invitae), Labcorp
Classification: Uncertain significance. Last evaluated: 2022-10-13. Review status: criteria provided, single submitter. Criteria: Invitae Variant Classification Sherloc (09022015). Collection method: clinical testing. Allele origin: germline.
Comment: In summary, the available evidence is currently insufficient to determine the role of this variant in disease. Therefore, it has been classified as a Variant of Uncertain Significance. Algorithms developed to predict the effect of missense changes on protein structure and function are either unavailable or do not agree on the potential impact of this missense change (SIFT: "Tolerated"; PolyPhen-2: "Not Available"; Align-GVGD: "Class C0"). This variant has not been reported in the literature in individuals affected with PCLO-related conditions. This variant is not present in population databases (gnomAD no frequency). This sequence change replaces alanine, which is neutral and non-polar, with serine, which is neutral and polar, at codon 3361 of the PCLO protein (p.Ala3361Ser).